The following is an entry in ClinVar:

ClinVar aggregate classification (germline): Uncertain significance (1 of 4 stars; one submission).

Allele frequency attached by ClinVar (database versions not stated): gnomAD exomes below 0.00001; TOPMed below 0.00001.
gnomAD v4.1: 3 of 1,613,998 alleles (0.00019%); highest among the groups gnomAD compares: Non-Finnish European, 0.00017%; no homozygotes.

Submission:

Labcorp Genetics (formerly Invitae), Labcorp
Classification: Uncertain significance. Last evaluated: 2021-09-24. Review status: criteria provided, single submitter. Criteria: Invitae Variant Classification Sherloc (09022015). Collection method: clinical testing. Allele origin: germline.
Comment: This sequence change replaces lysine with glutamic acid at codon 329 of the USH1C protein (p.Lys329Glu). The lysine residue is highly conserved and there is a small physicochemical difference between lysine and glutamic acid. This variant is not present in population databases (ExAC no frequency). This variant has not been reported in the literature in individuals with USH1C-related conditions. Algorithms developed to predict the effect of missense changes on protein structure and function are either unavailable or do not agree on the potential impact of this missense change (SIFT: "Deleterious"; PolyPhen-2: "Possibly Damaging"; Align-GVGD: "Class C15"). In summary, the available evidence is currently insufficient to determine the role of this variant in disease. Therefore, it has been classified as a Variant of Uncertain Significance.

NM_153676.4(USH1C):c.985A>G (p.Lys329Glu)

Gene: USH1C (USH1 protein network component harmonin; minus strand). Cytogenetic location: 11p15.1.
Variant type: single nucleotide variant.
Coding change: c.985A>G on transcript NM_153676.4 (MANE Select); coding-DNA position 985, A replaced by G.
Protein change: p.Lys329Glu; replaces lysine 329 with glutamic acid.
Molecular consequence: missense variant. On other transcripts: non-coding transcript variant (1).
Genome position (GRCh38, 1-based): chr11:17,522,818, T>C on the plus strand (A>G on the coding strand, the complement: USH1C is on the minus strand). VCF-style: chr11-17522818-T-C. GRCh37 (hg19) VCF-style: chr11-17544365-T-C.
Other names: c.928A>G, p.Lys310Glu (NM_001297764.2); c.985A>G, p.Lys329Glu (NM_005709.4); short protein forms K310E, K329E.
Identifiers: ClinVar variation 1414633 (VCV001414633.5), dbSNP rs1850472072, ClinGen allele CA379787210.